The following is an entry in ClinVar:

ClinVar aggregate classification (germline): Conflicting classifications of pathogenicity. Review status: criteria provided, conflicting classifications (1 of 4 stars). 2 submissions from 2 submitters: Likely pathogenic (1); Uncertain significance (1). Last evaluated 2025-05-06.

Conditions:
LEPR-related disorder. Also called: LEPR-related condition; LEPR-related disorders.

Allele frequency attached by ClinVar (database versions not stated): gnomAD exomes below 0.00001.
gnomAD v4.1: 2 of 1,614,142 alleles (0.00012%); highest among the groups gnomAD compares: Admixed American, 0.0017%; no homozygotes.

Submissions (2):

PreventionGenetics, part of Exact Sciences
Classification: Likely pathogenic for LEPR-related condition. Last evaluated: 2025-05-06. Review status: criteria provided, single submitter. Criteria: ACMG Guidelines, 2015. Collection method: clinical testing. Allele origin: germline.
Comment: The LEPR c.2153A>G variant is predicted to result in the amino acid substitution p.Asn718Ser. This variant was reported in the homozygous state in an individual with obesity (Saeed et al 2020. PubMed ID: 32349990). It was also observed in a cohort of individuals with obesity, and in vitro functional studies show strong evidence of loss of function (Table 3 and Supplemental Data Set. Shah et al. 2023. PubMed ID: 36864747). This variant is reported in 0.0029% of alleles in individuals of Latino descent in gnomAD. This variant is interpreted as likely pathogenic.

Athena Diagnostics
Classification: Uncertain significance. Last evaluated: 2019-03-01. Review status: criteria provided, single submitter. Criteria: Athena Diagnostics Criteria. Collection method: clinical testing. Allele origin: germline.

NM_002303.6(LEPR):c.2153A>G (p.Asn718Ser)

Genes: LEPR (leptin receptor; plus strand), LOC122094844 (Sharpr-MPRA regulatory region 5730; plus strand). Cytogenetic location: 1p31.3.
Variant type: single nucleotide variant.
Coding change: c.2153A>G on transcript NM_002303.6 (MANE Select); coding-DNA position 2153, A replaced by G.
Protein change: p.Asn718Ser; replaces asparagine 718 with serine.
Molecular consequence: missense variant.
Genome position (GRCh38, 1-based): chr1:65,616,165, A>G. VCF-style: chr1-65616165-A-G. GRCh37 (hg19) VCF-style: chr1-66081848-A-G.
Other names: c.2153A>G, p.Asn718Ser (NM_001003679.3, NM_001003680.3, NM_001198687.2 and 2 more transcripts); short protein forms N718S.
Identifiers: ClinVar variation 804987 (VCV000804987.3), dbSNP rs1424702726, ClinGen allele CA340677489.
Genomic context (GRCh38, chr1:65,616,165, plus strand): 5'-ACACGAAATTCACTTTCCTGTGGACAGAGCAAGCACATACTGTTACGGTTCTGGCCATCA[A>G]TTCAATTGGTGCTTCTGTTGCAAATTTTAATTTAACCTTTTCATGGCCTATGAGCAAAGG-3'
Protein context (NP_002294.2, residues 708-728): QAHTVTVLAI[Asn718Ser]SIGASVANFN